The following is an entry in ClinVar:

ClinVar aggregate classification (germline): Uncertain significance (1 of 4 stars; one submission).

Conditions:
Perlman syndrome (PRLMNS). Identifiers: Orphanet 2849, MedGen C0796113, MONDO:0009965, OMIM 267000.

Submission:

Labcorp Genetics (formerly Invitae), Labcorp
Classification: Uncertain significance for Perlman syndrome. Last evaluated: 2021-11-18. Review status: criteria provided, single submitter. Criteria: Invitae Variant Classification Sherloc (09022015). Collection method: clinical testing. Allele origin: germline.
Comment: This variant, c.1950_1952del, results in the deletion of 1 amino acid(s) of the DIS3L2 protein (p.Asp651del), but otherwise preserves the integrity of the reading frame. In summary, the available evidence is currently insufficient to determine the role of this variant in disease. Therefore, it has been classified as a Variant of Uncertain Significance. Experimental studies and prediction algorithms are not available or were not evaluated, and the functional significance of this variant is currently unknown. This variant has not been reported in the literature in individuals affected with DIS3L2-related conditions. This variant is not present in population databases (gnomAD no frequency).

NM_152383.5(DIS3L2):c.1950_1952del (p.Asp651del)

Gene: DIS3L2 (DIS3 like 3'-5' exoribonuclease 2; plus strand). Cytogenetic location: 2q37.1.
Variant type: Deletion.
Coding change: c.1950_1952del on transcript NM_152383.5 (MANE Select); coding-DNA positions 1950 to 1952, 3 bases deleted (TGA; older notation c.1950_1952delTGA).
Protein change: p.Asp651del; deletes aspartic acid 651.
Molecular consequence: inframe deletion. On other transcripts: non-coding transcript variant (2), intron variant (1).
Genome position (GRCh38, 1-based): chr2:232,330,716-232,330,718, TGA deleted; deleting any 3 consecutive bases within chr2:232,330,714-232,330,718 gives the same sequence; the c. name uses the placement nearest the transcript's 3' end. VCF-style (leftmost placement, unchanged base first): chr2-232330713-AGAT-A. GRCh37 (hg19) VCF-style: chr2-233195423-AGAT-A.
Other names: c.1582-12629_1582-12627del (NM_001257281.2); short protein forms D651del.
Identifiers: ClinVar variation 1393976 (VCV001393976.6), dbSNP rs2106349087, ClinGen allele CA2573135496.